The following is an entry in ClinVar:

ClinVar aggregate classification (germline): Pathogenic/Likely pathogenic. Review status: criteria provided, multiple submitters, no conflicts (2 of 4 stars). 3 submissions from 3 submitters: Pathogenic (1); Likely pathogenic (2). Last evaluated 2025-08-29.

Conditions:
CABP4-related disorder. Also called: CABP4-related condition.

Allele frequency attached by ClinVar (database versions not stated): gnomAD 0.00001; TOPMed 0.00003; ExAC 0.00009.
gnomAD v4.1: 86 of 1,567,084 alleles (0.0055%); highest among the groups gnomAD compares: Non-Finnish European, 0.0072%; no homozygotes.

Submissions (3):

PreventionGenetics, part of Exact Sciences
Classification: Likely pathogenic for CABP4-related condition. Last evaluated: 2025-08-29. Review status: criteria provided, single submitter. Criteria: ACMG Guidelines, 2015. Collection method: clinical testing. Allele origin: germline.
Comment: The CABP4 c.366+1G>T variant is predicted to disrupt the GT donor site and interfere with normal splicing. To our knowledge, this variant has not been reported in the literature. This variant is present in 0.0072% of alleles in individuals of European (Non-Finnish) descent in gnomAD. Variants that disrupt the consensus splice donor site in CABP4 are an established mechanism of disease. This variant is interpreted as likely pathogenic.

Labcorp Genetics (formerly Invitae), Labcorp
Classification: Pathogenic. Last evaluated: 2025-04-16. Review status: criteria provided, single submitter. Criteria: Invitae Variant Classification Sherloc (09022015). Collection method: clinical testing. Allele origin: germline.
Comment: This sequence change affects a donor splice site in intron 1 of the CABP4 gene. It is expected to disrupt RNA splicing. Variants that disrupt the donor or acceptor splice site typically lead to a loss of protein function (PMID: 16199547), and loss-of-function variants in CABP4 are known to be pathogenic (PMID: 25307992). This variant is present in population databases (rs754194901, gnomAD 0.007%). Disruption of this splice site has been observed in individual(s) with clinical features of cone-rod synaptic disorder (internal data). In at least one individual the data is consistent with being in trans (on the opposite chromosome) from a pathogenic variant. ClinVar contains an entry for this variant (Variation ID: 1345948). Algorithms developed to predict the effect of sequence changes on RNA splicing suggest that this variant may disrupt the consensus splice site. For these reasons, this variant has been classified as Pathogenic.

Blueprint Genetics
Classification: Likely pathogenic for CABP4-related disorders. Last evaluated: 2023-09-18. Review status: criteria provided, single submitter. Criteria: ACMG Guidelines, 2015. Collection method: clinical testing. Allele origin: germline. Affected: yes. Observed: 4 variant alleles.

Literature cited by the submitters: PubMed 16199547 (cited by Labcorp Genetics (formerly Invitae), Labcorp); PubMed 25307992 (cited by Labcorp Genetics (formerly Invitae), Labcorp).

NM_145200.5(CABP4):c.366+1G>T

Gene: CABP4 (calcium binding protein 4; plus strand). Cytogenetic location: 11q13.2.
Variant type: single nucleotide variant.
Coding change: c.366+1G>T on transcript NM_145200.5 (MANE Select); the canonical splice donor site of the intron after coding-DNA position 366, G replaced by T.
Molecular consequence: splice donor variant.
Genome position (GRCh38, 1-based): chr11:67,455,790, G>T. VCF-style: chr11-67455790-G-T. GRCh37 (hg19) VCF-style: chr11-67223261-G-T.
Other names: c.366+1G>T (NM_145200.3); c.-32+1G>T (NM_001379183.1, NM_001300896.3); c.-18+1G>T (NM_001300895.3).
Identifiers: ClinVar variation 1345948 (VCV001345948.10), dbSNP rs754194901, ClinGen allele CA6140146.